The following is an entry in ClinVar:

NM_006506.5(RASA2):c.148T>G (p.Leu50Val)

Gene: RASA2 (RAS p21 protein activator 2; plus strand). Cytogenetic location: 3q23.
Variant type: single nucleotide variant.
Coding change: c.148T>G on transcript NM_006506.5 (MANE Select); coding-DNA position 148, T replaced by G.
Protein change: p.Leu50Val; replaces leucine 50 with valine.
Molecular consequence: missense variant.
Genome position (GRCh38, 1-based): chr3:141,512,177, T>G. VCF-style: chr3-141512177-T-G. GRCh37 (hg19) VCF-style: chr3-141231019-T-G.
Other names: c.148T>G, p.Leu50Val (NM_001303245.3, NM_001303246.3); short protein forms L50V.
Identifiers: ClinVar variation 1773757 (VCV001773757.8), dbSNP rs865973122, ClinGen allele CA84644392.
Genomic context (GRCh38, chr3:141,512,177, plus strand): 5'-AGCAGTTGATGATATTTAATAACAATTTTAAATTTTATGCCAACAGGTGAAGCAAAAAAT[T>G]TATTGCCATATCTTGGACCCCACAAAATGAGAGATTGTTTCTGTACCATAAATTTGGACC-3'
Protein context (NP_006497.2, residues 40-60): LRGKICEAKN[Leu50Val]LPYLGPHKMR

ClinVar aggregate classification (germline): Uncertain significance. Review status: criteria provided, multiple submitters, no conflicts (2 of 4 stars). 2 submissions from 2 submitters: Uncertain significance (2). Last evaluated 2025-12-23.

Allele frequency attached by ClinVar (database versions not stated): gnomAD exomes 0.00001; gnomAD 0.00003.
gnomAD v4.1: 20 of 1,607,456 alleles (0.0012%); highest among the groups gnomAD compares: African/African-American, 0.016%; no homozygotes.

Submissions (2):

Labcorp Genetics (formerly Invitae), Labcorp
Classification: Uncertain significance. Last evaluated: 2025-12-23. Review status: criteria provided, single submitter. Criteria: Invitae Variant Classification Sherloc (09022015). Collection method: clinical testing. Allele origin: germline.
Comment: This sequence change replaces leucine, which is neutral and non-polar, with valine, which is neutral and non-polar, at codon 50 of the RASA2 protein (p.Leu50Val). This variant is present in population databases (no rsID available, gnomAD 0.005%). This variant has not been reported in the literature in individuals affected with RASA2-related conditions. ClinVar contains an entry for this variant (Variation ID: 1773757). Invitae Evidence Modeling of protein sequence and biophysical properties (such as structural, functional, and spatial information, amino acid conservation, physicochemical variation, residue mobility, and thermodynamic stability) indicates that this missense variant is expected to disrupt RASA2 protein function with a positive predictive value of 80%. In summary, the available evidence is currently insufficient to determine the role of this variant in disease. Therefore, it has been classified as a Variant of Uncertain Significance.

Ambry Genetics
Classification: Uncertain significance. Last evaluated: 2024-06-04. Review status: criteria provided, single submitter. Criteria: Ambry Variant Classification Scheme 2023. Collection method: clinical testing. Allele origin: germline.